The following is an entry in ClinVar:

NM_001271938.2(MEGF8):c.1921C>T (p.Leu641Phe)

Gene: MEGF8 (multiple EGF like domains 8; plus strand). Cytogenetic location: 19q13.2.
Variant type: single nucleotide variant.
Coding change: c.1921C>T on transcript NM_001271938.2 (MANE Select); coding-DNA position 1921, C replaced by T.
Protein change: p.Leu641Phe; replaces leucine 641 with phenylalanine.
Molecular consequence: missense variant.
Genome position (GRCh38, 1-based): chr19:42,344,573, C>T. VCF-style: chr19-42344573-C-T. GRCh37 (hg19) VCF-style: chr19-42848725-C-T.
Other names: c.1921C>T, p.Leu641Phe (NM_001410.3); short protein forms L641F.
Identifiers: ClinVar variation 540547 (VCV000540547.8), dbSNP rs1555781030, ClinGen allele CA406093029.
Genomic context (GRCh38, chr19:42,344,573, plus strand): 5'-CCCACAGCCCCTCCACGGGGACCTGGCACCCTGGGCTGGTGCGTGCACAATGAGAGCTGC[C>T]TCCCTAGGCCTGGTGAGTGTCCGCAGCAGTGGGCCGGCAGGAGGGGGCCAGAGCACTCCA-3'
Protein context (NP_001258867.1, residues 631-651): LGWCVHNESC[Leu641Phe]PRPEQARCRG

ClinVar aggregate classification (germline): Uncertain significance (1 of 4 stars; one submission).

Conditions:
MEGF8-related Carpenter syndrome. Also called: Carpenter syndrome 2. Identifiers: Orphanet 65759, MedGen C3554247, MONDO:0013998, OMIM 614976.

Allele frequency attached by ClinVar (database versions not stated): gnomAD exomes below 0.00001.
gnomAD v4.1: 2 of 1,594,300 alleles (0.00013%); highest among the groups gnomAD compares: South Asian, 0.0011%; no homozygotes.

Submission:

Labcorp Genetics (formerly Invitae), Labcorp
Classification: Uncertain significance for MEGF8-related Carpenter syndrome. Last evaluated: 2022-12-06. Review status: criteria provided, single submitter. Criteria: Invitae Variant Classification Sherloc (09022015). Collection method: clinical testing. Allele origin: germline.
Comment: In summary, the available evidence is currently insufficient to determine the role of this variant in disease. Therefore, it has been classified as a Variant of Uncertain Significance. Algorithms developed to predict the effect of missense changes on protein structure and function are either unavailable or do not agree on the potential impact of this missense change (SIFT: "Tolerated"; PolyPhen-2: "Possibly Damaging"; Align-GVGD: "Class C0"). ClinVar contains an entry for this variant (Variation ID: 540547). This variant has not been reported in the literature in individuals affected with MEGF8-related conditions. This variant is not present in population databases (gnomAD no frequency). This sequence change replaces leucine, which is neutral and non-polar, with phenylalanine, which is neutral and non-polar, at codon 641 of the MEGF8 protein (p.Leu641Phe).